The following is an entry in ClinVar:

NM_001370259.2(MEN1):c.445+2T>A

Gene: MEN1 (menin 1; minus strand). Cytogenetic location: 11q13.1.
Variant type: single nucleotide variant.
Coding change: c.445+2T>A on transcript NM_001370259.2 (MANE Select); the canonical splice donor site of the intron after coding-DNA position 445, T replaced by A.
Molecular consequence: splice donor variant. On other transcripts: synonymous variant (8), non-coding transcript variant (2).
Genome position (GRCh38, 1-based): chr11:64,809,663, A>T on the plus strand (T>A on the coding strand, the complement: MEN1 is on the minus strand). VCF-style: chr11-64809663-A-T. GRCh37 (hg19) VCF-style: chr11-64577135-A-T.
Other names: c.447T>A, p.Gly149= (NM_000244.4, NM_001407145.1, NM_001407150.1 and 5 more transcripts); c.445+2T>A (NM_001407148.1, NM_130799.3, NM_001407144.1 and 12 more transcripts).
Identifiers: ClinVar variation 1740703 (VCV001740703.2), dbSNP rs2497255403, ClinGen allele CA381186624.

ClinVar aggregate classification (germline): Uncertain significance (1 of 4 stars; one submission).

Conditions:
Hereditary cancer-predisposing syndrome. Also called: Hereditary Cancer Syndrome; Hereditary neoplastic syndrome; Neoplastic Syndromes, Hereditary; Tumor predisposition. Identifiers: Orphanet 140162, MedGen C0027672, MeSH D009386, MONDO:0015356.

Submission:

Ambry Genetics
Classification: Uncertain significance for Hereditary cancer-predisposing syndrome. Last evaluated: 2022-02-03. Review status: criteria provided, single submitter. Criteria: Ambry Variant Classification Scheme 2023. Collection method: clinical testing. Allele origin: germline.
Comment: The c.445+2T>A intronic variant results from a T to A substitution two nucleotides after coding exon 1 in the MEN1 gene. Alterations that disrupt the canonical splice site are expected to result in aberrant splicing. In silico splice site analysis for this alteration is inconclusive; however, direct evidence is insufficient at this time (Ambry internal data). The exact functional effect of the altered amino acid sequence is unknown. This nucleotide position is highly conserved in available vertebrate species. Since supporting evidence is limited at this time, the clinical significance of this alteration remains unclear.